The following is an entry in ClinVar:

ClinVar aggregate classification (germline): Uncertain significance (1 of 4 stars; one submission).

Submission:

ISCA Site 6
Classification: Uncertain significance. Last evaluated: 2011-08-12. Review status: criteria provided, single submitter. Criteria: Kaminsky et al. (Genet Med. 2011). Collection method: clinical testing. Allele origin: unknown. Affected: yes. Observed: 1 variant allele.
Comment: Copy number variation identified through the course of routine clinical cytogenomic testing in postnatal populations. Clinical assertions have been curated as described in Kaminsky et al. 2011.

GRCh38/hg38 16p13.11(chr16:14717194-16450842)x3

Genes: ABCC1 (ATP binding cassette subfamily C member 1 (ABCC1 blood group); plus strand), ABCC6 (ATP binding cassette subfamily C member 6; minus strand), BMERB1 (bMERB domain containing 1; plus strand), CEP20 (centrosomal protein 20; minus strand), MARF1 (meiosis regulator and mRNA stability factor 1; minus strand) and 53 more. Cytogenetic location: 16p13.11.
Variant type: copy number gain.
Change: copy number 3 (three copies instead of two) of chr16:14,717,194-16,450,842 (1.73 Mb, GRCh38 coordinates, 1-based), cytogenetic band 16p13.11.
Identifiers: ClinVar variation 57624 (VCV000057624.2).